The following is an entry in ClinVar:

NM_001349338.3(FOXP1):c.1070A>T (p.Lys357Ile)

Gene: FOXP1 (forkhead box P1; minus strand). Cytogenetic location: 3p13.
Variant type: single nucleotide variant.
Coding change: c.1070A>T on transcript NM_001349338.3 (MANE Select); coding-DNA position 1070, A replaced by T.
Protein change: p.Lys357Ile; replaces lysine 357 with isoleucine.
Molecular consequence: missense variant. On other transcripts: non-coding transcript variant (2).
Genome position (GRCh38, 1-based): chr3:70,988,070, T>A on the plus strand (A>T on the coding strand, the complement: FOXP1 is on the minus strand). VCF-style: chr3-70988070-T-A. GRCh37 (hg19) VCF-style: chr3-71037221-T-A.
Other names: c.1070A>T, p.Lys357Ile (NM_001244808.3, NM_001244810.2, NM_001244814.3 and 3 more transcripts); c.842A>T, p.Lys281Ile (NM_001244812.3); c.770A>T, p.Lys257Ile (NM_001244813.3, NM_001244815.2, NM_001349342.3 and 1 more transcripts); c.767A>T, p.Lys256Ile (NM_001349337.2, NM_001349343.3, NM_001349344.3); c.1067A>T, p.Lys356Ile (NM_001349341.3); short protein forms K256I, K357I, K257I, K281I, K356I.
Identifiers: ClinVar variation 3650603 (VCV003650603.2).
Genomic context (GRCh38, chr3:70,988,070, plus strand): 5'-TTGGGTTCTGTAGACTTCACATGCAGGTGGGTCATCATGGCTTGCAGGCGTTCTTTGTCT[T>A]TTGCAAGCTGGCAAGAAGAAAATGCTTTGTTATTTCTCTGAATAAAGATGCATGGCTCTT-3'
Protein context (NP_001336267.1, residues 347-367): VVQQLELQLA[Lys357Ile]DKERLQAMMT

ClinVar aggregate classification (germline): Uncertain significance (1 of 4 stars; one submission).

Submission:

Labcorp Genetics (formerly Invitae), Labcorp
Classification: Uncertain significance. Last evaluated: 2024-04-22. Review status: criteria provided, single submitter. Criteria: Invitae Variant Classification Sherloc (09022015). Collection method: clinical testing. Allele origin: germline.
Comment: This sequence change replaces lysine, which is basic and polar, with isoleucine, which is neutral and non-polar, at codon 357 of the FOXP1 protein (p.Lys357Ile). This variant is not present in population databases (gnomAD no frequency). This variant has not been reported in the literature in individuals affected with FOXP1-related conditions. Advanced modeling of protein sequence and biophysical properties (such as structural, functional, and spatial information, amino acid conservation, physicochemical variation, residue mobility, and thermodynamic stability) has been performed at Invitae for this missense variant, however the output from this modeling did not meet the statistical confidence thresholds required to predict the impact of this variant on FOXP1 protein function. In summary, the available evidence is currently insufficient to determine the role of this variant in disease. Therefore, it has been classified as a Variant of Uncertain Significance.